The following is an entry in ClinVar:

ClinVar aggregate classification (germline): Likely benign (0 of 4 stars; one submission).

Conditions:
DES-related disorder. Also called: DES-related condition.

Allele frequency attached by ClinVar (database versions not stated): TOPMed below 0.00001.
gnomAD v4.1: 1 of 1,613,926 alleles (0.000062%); highest among the groups gnomAD compares: East Asian, 0.0022%; no homozygotes.

Submission:

PreventionGenetics, part of Exact Sciences
Classification: Likely benign for DES-related condition. Last evaluated: 2023-06-13. Review status: no assertion criteria provided. Collection method: clinical testing. Allele origin: germline.
Comment: This variant is classified as likely benign based on ACMG/AMP sequence variant interpretation guidelines (Richards et al. 2015 PMID: 25741868, with internal and published modifications).

NM_001927.4(DES):c.736-3C>T

Gene: DES (desmin; plus strand). Cytogenetic location: 2q35.
Variant type: single nucleotide variant.
Coding change: c.736-3C>T on transcript NM_001927.4 (MANE Select); 3 bases into the intron before coding-DNA position 736, C replaced by T.
Molecular consequence: intron variant.
Genome position (GRCh38, 1-based): chr2:219,420,492, C>T. VCF-style: chr2-219420492-C-T. GRCh37 (hg19) VCF-style: chr2-220285214-C-T.
Other names: c.736-3C>T (NM_001382712.1, NM_001382711.1, NM_001382710.1); c.735+146C>T (NM_001382709.1); c.733-3C>T (NM_001382708.1); c.496-33C>T (NM_001382713.1).
Identifiers: ClinVar variation 3029613 (VCV003029613.2), dbSNP rs113252016, ClinGen allele CA539843132.